The following is an entry in ClinVar:

NM_000038.6(APC):c.6970C>T (p.Pro2324Ser)

Gene: APC (APC regulator of Wnt signaling pathway; plus strand). Cytogenetic location: 5q22.2.
Variant type: single nucleotide variant.
Coding change: c.6970C>T on transcript NM_000038.6 (MANE Select); coding-DNA position 6970, C replaced by T.
Protein change: p.Pro2324Ser; replaces proline 2324 with serine.
Molecular consequence: missense variant.
Genome position (GRCh38, 1-based): chr5:112,842,564, C>T. VCF-style: chr5-112842564-C-T. GRCh37 (hg19) VCF-style: chr5-112178261-C-T.
Other names: c.6970C>T (NM_000038.5); c.6970C>T, p.Pro2324Ser (NM_001127510.3, NM_001354895.2); c.6916C>T, p.Pro2306Ser (NM_001127511.3); c.7024C>T, p.Pro2342Ser (NM_001354896.2); c.7000C>T, p.Pro2334Ser (NM_001354897.2); c.6895C>T, p.Pro2299Ser (NM_001354898.2); c.6886C>T, p.Pro2296Ser (NM_001354899.2); c.6847C>T, p.Pro2283Ser (NM_001354900.2); and 6 more; short protein forms P2041S, P2164S, P2223S, P2265S, P2283S, P2233S, P2296S, P2299S.
Identifiers: ClinVar variation 1417078 (VCV001417078.13), dbSNP rs770250821, ClinGen allele CA046567.

ClinVar aggregate classification (germline): Uncertain significance. Review status: criteria provided, multiple submitters, no conflicts (2 of 4 stars). 3 submissions from 3 submitters: Uncertain significance (3). Last evaluated 2025-10-08.

Conditions:
Classic or attenuated familial adenomatous polyposis. Identifiers: MedGen CN372698, MONDO:0021057.
Hereditary cancer-predisposing syndrome. Also called: Hereditary Cancer Syndrome; Tumor predisposition; Hereditary neoplastic syndrome; Neoplastic Syndromes, Hereditary. Identifiers: Orphanet 140162, MedGen C0027672, MeSH D009386, MONDO:0015356.
Familial adenomatous polyposis 1 (FAP1). Also called: POLYPOSIS, ADENOMATOUS INTESTINAL; FAMILIAL ADENOMATOUS POLYPOSIS 1, ATTENUATED. Identifiers: MedGen C2713442, MONDO:0021056, OMIM 175100. Disease mechanism: loss of function.

Allele frequency attached by ClinVar (database versions not stated): gnomAD exomes below 0.00001 and 0.00001; ExAC 0.00001; gnomAD 0.00001.
gnomAD v4.1: 4 of 1,613,792 alleles (0.00025%); highest among the groups gnomAD compares: Non-Finnish European, 0.00034%; no homozygotes.

Submissions (3):

Ambry Genetics
Classification: Uncertain significance for Hereditary cancer-predisposing syndrome. Last evaluated: 2025-10-08. Review status: criteria provided, single submitter. Criteria: Ambry Variant Classification Scheme 2023. Collection method: clinical testing. Allele origin: germline.
Comment: The p.P2324S variant (also known as c.6970C>T), located in coding exon 15 of the APC gene, results from a C to T substitution at nucleotide position 6970. The proline at codon 2324 is replaced by serine, an amino acid with similar properties. This amino acid position is conserved. In addition, in silico predictors for this gene do not accurately predict pathogenicity. Missense variants in APC are not a common cause of disease (Spier I et al. Genet Med. 2024 Feb;26(2):100992). Based on the available evidence, the clinical significance of this variant remains unclear.

Labcorp Genetics (formerly Invitae), Labcorp
Classification: Uncertain significance for Familial adenomatous polyposis 1. Last evaluated: 2025-07-03. Review status: criteria provided, single submitter. Criteria: Invitae Variant Classification Sherloc (09022015). Collection method: clinical testing. Allele origin: germline.
Comment: This sequence change replaces proline, which is neutral and non-polar, with serine, which is neutral and polar, at codon 2324 of the APC protein (p.Pro2324Ser). This variant is present in population databases (rs770250821, gnomAD 0.0009%). This variant has not been reported in the literature in individuals affected with APC-related conditions. ClinVar contains an entry for this variant (Variation ID: 1417078). Invitae Evidence Modeling of protein sequence and biophysical properties (such as structural, functional, and spatial information, amino acid conservation, physicochemical variation, residue mobility, and thermodynamic stability) indicates that this missense variant is not expected to disrupt APC protein function with a negative predictive value of 95%. In summary, the available evidence is currently insufficient to determine the role of this variant in disease. Therefore, it has been classified as a Variant of Uncertain Significance.

All of Us Research Program, National Institutes of Health
Classification: Uncertain significance for Classic or attenuated familial adenomatous polyposis. Last evaluated: 2024-05-14. Review status: criteria provided, single submitter. Criteria: ACMG Guidelines, 2015. Collection method: clinical testing. Allele origin: germline. Inheritance: Autosomal dominant inheritance. Observed: 1 variant allele, 1 heterozygote.
Comment: This missense variant replaces proline with serine at codon 2324 of the APC protein. Computational prediction is inconclusive regarding the impact of this variant on protein structure and function (internally defined REVEL score threshold 0.5 < inconclusive < 0.7, PMID: 27666373). To our knowledge, functional studies have not been reported for this variant. This variant has not been reported in individuals affected with APC-related disorders in the literature. This variant has been identified in 1/250762 chromosomes in the general population by the Genome Aggregation Database (gnomAD). The available evidence is insufficient to determine the role of this variant in disease conclusively. Therefore, this variant is classified as a Variant of Uncertain Significance.

This study involves interpretation of variants in research participants for the purpose of population health screening. Participant phenotype was not available at the time of variant classification. Additional details can be found in publication PMID: 35346344, PMCID: PMC8962531